The following is an entry in ClinVar:

NM_005560.6(LAMA5):c.2093G>A (p.Cys698Tyr)

Gene: LAMA5 (laminin subunit alpha 5; minus strand). Cytogenetic location: 20q13.33.
Variant type: single nucleotide variant.
Coding change: c.2093G>A on transcript NM_005560.6 (MANE Select); coding-DNA position 2093, G replaced by A.
Protein change: p.Cys698Tyr; replaces cysteine 698 with tyrosine.
Molecular consequence: missense variant.
Genome position (GRCh38, 1-based): chr20:62,337,661, C>T on the plus strand (G>A on the coding strand, the complement: LAMA5 is on the minus strand). VCF-style: chr20-62337661-C-T. GRCh37 (hg19) VCF-style: chr20-60912717-C-T.
Other names: short protein forms C698Y.
Identifiers: ClinVar variation 4795689 (VCV004795689.1).

ClinVar aggregate classification (germline): Uncertain significance (1 of 4 stars; one submission).

Submission:

GeneDx
Classification: Uncertain significance. Last evaluated: 2025-08-12. Review status: criteria provided, single submitter. Criteria: GeneDx Variant Classification Process June 2021. Collection method: clinical testing. Allele origin: germline. Affected: yes.
Comment: Not observed at significant frequency in large population cohorts (gnomAD); In silico analysis supports that this missense variant has a deleterious effect on protein structure/function; Has not been previously published as pathogenic or benign to our knowledge